The following is an entry in ClinVar:

ClinVar aggregate classification (germline): Likely benign. Review status: criteria provided, multiple submitters, no conflicts (2 of 4 stars). 2 submissions from 2 submitters: Likely benign (2). Last evaluated 2026-04-01.

Conditions:
Primary dilated cardiomyopathy (DCM). Also called: Dilated Cardiomyopathy. Identifiers: Orphanet 217604, MedGen C0007193, MeSH D002311, MONDO:0005021, HP:0001644. Inheritance: Various modes of inheritance.

Allele frequency attached by ClinVar (database versions not stated): gnomAD exomes below 0.00001 and 0.00001; ExAC 0.00002.
gnomAD v4.1: 2 of 1,612,970 alleles (0.00012%); highest among the groups gnomAD compares: Admixed American, 0.0033%; no homozygotes.

Submissions (2):

CeGaT Center for Human Genetics Tuebingen
Classification: Likely benign. Last evaluated: 2026-04-01. Review status: criteria provided, single submitter. Criteria: CeGaT Center For Human Genetics Tuebingen Variant Classification Criteria Version 2. Collection method: clinical testing. Allele origin: germline. Affected: yes. Observed: 1 variant allele.
Comment: TXNRD2: BP4, BP7

Labcorp Genetics (formerly Invitae), Labcorp
Classification: Likely benign for Primary dilated cardiomyopathy. Last evaluated: 2021-11-01. Review status: criteria provided, single submitter. Criteria: Invitae Variant Classification Sherloc (09022015). Collection method: clinical testing. Allele origin: germline.

NM_006440.5(TXNRD2):c.309G>A (p.Leu103=)

Gene: TXNRD2 (thioredoxin reductase 2; minus strand). Cytogenetic location: 22q11.21.
Variant type: single nucleotide variant.
Coding change: c.309G>A on transcript NM_006440.5 (MANE Select); coding-DNA position 309, G replaced by A.
Protein change: p.Leu103=; no amino-acid change (leucine 103 retained).
Molecular consequence: synonymous variant. On other transcripts: non-coding transcript variant (1).
Genome position (GRCh38, 1-based): chr22:19,918,925, C>T on the plus strand (G>A on the coding strand, the complement: TXNRD2 is on the minus strand). VCF-style: chr22-19918925-C-T. GRCh37 (hg19) VCF-style: chr22-19906448-C-T.
Other names: c.309G>A, p.Leu103= (NM_001282512.3); c.306G>A, p.Leu102= (NM_001352300.2); c.219G>A, p.Leu73= (NM_001352301.2); c.21G>A, p.Leu7= (NM_001352302.2); c.213G>A, p.Leu71= (NM_001352303.2).
Identifiers: ClinVar variation 1653002 (VCV001653002.10), dbSNP rs762625233, ClinGen allele CA10104264.